The following is an entry in ClinVar:

NM_004260.4(RECQL4):c.3355_3372del (p.Met1119_Gly1124del)

Gene: RECQL4 (RecQ like helicase 4; minus strand). Cytogenetic location: 8q24.3.
Variant type: Deletion.
Coding change: c.3355_3372del on transcript NM_004260.4 (MANE Select); coding-DNA positions 3355 to 3372, 18 bases deleted (ATGGAGGACGCACAGGGC).
Protein change: p.Met1119_Gly1124del.
Molecular consequence: inframe deletion. On other transcripts: non-coding transcript variant (3).
Genome position (GRCh38, 1-based): chr8:144,511,932-144,511,949, GCCCTGTGCGTCCTCCAT deleted on the plus strand (ATGGAGGACGCACAGGGC on the coding strand, the reverse complement: RECQL4 is on the minus strand); deleting any 18 consecutive bases within chr8:144,511,932-144,511,952 gives the same sequence; the c. name uses the placement nearest the transcript's 3' end. VCF-style (leftmost placement, unchanged base first): chr8-144511931-GGCCCTGTGCGTCCTCCAT-G. GRCh37 (hg19) VCF-style: chr8-145737314-GGCCCTGTGCGTCCTCCAT-G.
Other names: c.3061_3078del, p.Met1021_Gly1026del (NM_001413017.1); c.3157_3174del, p.Met1053_Gly1058del (NM_001413018.1); c.3430_3447del, p.Met1144_Gly1149del (NM_001413019.1); c.3259_3276del, p.Met1087_Gly1092del (NM_001413020.1); c.2284_2301del, p.Met762_Gly767del (NM_001413021.1, NM_001413022.1, NM_001413024.1 and 4 more transcripts); c.2359_2376del, p.Met787_Gly792del (NM_001413023.1); c.3226_3243del, p.Met1076_Gly1081del (NM_001413025.1); c.2218_2235del, p.Met740_Gly745del (NM_001413027.1, NM_001413030.1, NM_001413032.1); and 9 more.
Identifiers: ClinVar variation 2970476 (VCV002970476.3), dbSNP rs2537970626, ClinGen allele CA2740095408.

ClinVar aggregate classification (germline): Uncertain significance (1 of 4 stars; one submission).

Conditions:
Baller-Gerold syndrome (BGS). Also called: CRANIOSYNOSTOSIS WITH RADIAL DEFECTS. Identifiers: Orphanet 1225, MedGen C0265308, MONDO:0009039, OMIM 218600.

Submission:

Labcorp Genetics (formerly Invitae), Labcorp
Classification: Uncertain significance for Baller-Gerold syndrome. Last evaluated: 2023-04-13. Review status: criteria provided, single submitter. Criteria: Invitae Variant Classification Sherloc (09022015). Collection method: clinical testing. Allele origin: germline.
Comment: In summary, the available evidence is currently insufficient to determine the role of this variant in disease. Therefore, it has been classified as a Variant of Uncertain Significance. Experimental studies and prediction algorithms are not available or were not evaluated, and the functional significance of this variant is currently unknown. This variant has not been reported in the literature in individuals affected with RECQL4-related conditions. This variant is not present in population databases (gnomAD no frequency). This variant, c.3355_3372del, results in the deletion of 6 amino acid(s) of the RECQL4 protein (p.Met1119_Gly1124del), but otherwise preserves the integrity of the reading frame.